The following is an entry in ClinVar:

NM_001458.5(FLNC):c.3037T>G (p.Cys1013Gly)

Gene: FLNC (filamin C; plus strand). Cytogenetic location: 7q32.1.
Variant type: single nucleotide variant.
Coding change: c.3037T>G on transcript NM_001458.5 (MANE Select); coding-DNA position 3037, T replaced by G.
Protein change: p.Cys1013Gly; replaces cysteine 1013 with glycine.
Molecular consequence: missense variant.
Genome position (GRCh38, 1-based): chr7:128,844,111, T>G. VCF-style: chr7-128844111-T-G. GRCh37 (hg19) VCF-style: chr7-128484165-T-G.
Other names: c.3037T>G, p.Cys1013Gly (NM_001127487.2); short protein forms C1013G.
Identifiers: ClinVar variation 3221717 (VCV003221717.1), dbSNP rs2536635579, ClinGen allele CA369194048.

ClinVar aggregate classification (germline): Uncertain significance (1 of 4 stars; one submission).

Conditions:
Cardiovascular phenotype. Identifiers: MedGen CN230736.

Submission:

Ambry Genetics
Classification: Uncertain significance for Cardiovascular phenotype. Last evaluated: 2024-01-14. Review status: criteria provided, single submitter. Criteria: Ambry Variant Classification Scheme 2023. Collection method: clinical testing. Allele origin: germline.
Comment: The p.C1013G variant (also known as c.3037T>G), located in coding exon 20 of the FLNC gene, results from a T to G substitution at nucleotide position 3037. The cysteine at codon 1013 is replaced by glycine, an amino acid with highly dissimilar properties. This amino acid position is conserved. In addition, this alteration is predicted to be deleterious by in silico analysis. Since supporting evidence is limited at this time, the clinical significance of this alteration remains unclear.